The following is an entry in ClinVar:

ClinVar aggregate classification (germline): Uncertain significance (1 of 4 stars; one submission).

Submission:

Women's Health and Genetics/Laboratory Corporation of America, LabCorp
Classification: Uncertain significance. Last evaluated: 2022-01-06. Review status: criteria provided, single submitter. Criteria: LabCorp Variant Classification Summary - May 2015. Collection method: clinical testing. Allele origin: germline.
Comment: Variant summary: The variant identified by MLPA or other technology involves the deletion of exon 12 in the SPATA5 gene. A presumed nomenclature of c.(2079+1_2080-1)_(2133+1_2134-1)del has been designated for the purposes of this classification. Although exact breakpoints of this deletion are not known, it is expected to result in an in-frame deletion change in the SPATA5 gene, removing 18 amino acids from the AAA+ ATPase domain (IPR003593) of the encoded protein. The variant was absent in 21694 control chromosomes (gnomAD, Structural Variants dataset). To our knowledge, no occurrence of exon 12 deletion in individuals affected with Epilepsy, Hearing Loss, And Mental Retardation Syndrome and no experimental evidence demonstrating its impact on protein function have been reported. No clinical diagnostic laboratories have submitted clinical-significance assessments for this variant to ClinVar after 2014. Based on the evidence outlined above, the variant was classified as VUS-possibly pathogenic.

NC_000004.11:g.(123949551_123977541)_(123977596_123978363)del

Gene: SPATA5 (spermatogenesis associated 5; plus strand). Cytogenetic location: 4q28.1.
Variant type: Deletion.
Identifiers: ClinVar variation 1339765 (VCV001339765.1).